The following is an entry in ClinVar:

ClinVar aggregate classification (germline): Uncertain significance. Review status: criteria provided, multiple submitters, no conflicts (2 of 4 stars). 2 submissions from 2 submitters: Uncertain significance (2). Last evaluated 2022-07-05.

Conditions:
Inborn genetic diseases. Identifiers: MedGen C0950123, MeSH D030342.

Allele frequency attached by ClinVar (database versions not stated): gnomAD exomes below 0.00001 and 0.00001; gnomAD 0.00001 and 0.00003; TOPMed 0.00003; ExAC 0.00005; 1000 Genomes Project 0.00020; 1000 Genomes Project 30x 0.00031.
gnomAD v4.1: 6 of 1,551,714 alleles (0.00039%); highest among the groups gnomAD compares: Admixed American, 0.0059%; no homozygotes.

Submissions (2):

Ambry Genetics
Classification: Uncertain significance for Inborn genetic diseases. Last evaluated: 2022-07-05. Review status: criteria provided, single submitter. Criteria: Ambry Variant Classification Scheme 2023. Collection method: clinical testing. Allele origin: germline.

Genetic Services Laboratory, University of Chicago
Classification: Uncertain significance. Last evaluated: 2020-01-14. Review status: criteria provided, single submitter. Criteria: ACMG Guidelines, 2015. Collection method: clinical testing. Allele origin: germline. Affected: no.
Comment: DNA sequence analysis of the SLFN14 gene demonstrated a sequence change, c.2419C>A, in exon 4 that results in an amino acid change, p.Gln807Lys. This sequence change does not appear to have been previously described in patients with SLFN14-related disorders and has been described in the gnomAD database in two individuals (dbSNP rs564352461). The p.Gln807Lys change affects a highly conserved amino acid residue located in a domain of the SLFN14 protein that is not known to be functional. In-silico pathogenicity prediction tools (SIFT, PolyPhen2, Align GVGD, REVEL) provide contradictory results for the p.Gln807Lys substitution. Due to these contrasting evidences and the lack of functional studies, the clinical significance of the p.Gln807Lys change remains unknown at this time.

NM_001129820.2(SLFN14):c.2419C>A (p.Gln807Lys)

Gene: SLFN14 (schlafen family member 14; minus strand). Cytogenetic location: 17q12.
Variant type: single nucleotide variant.
Coding change: c.2419C>A on transcript NM_001129820.2 (MANE Select); coding-DNA position 2419, C replaced by A.
Protein change: p.Gln807Lys; replaces glutamine 807 with lysine.
Molecular consequence: missense variant.
Genome position (GRCh38, 1-based): chr17:35,548,559, G>T on the plus strand (C>A on the coding strand, the complement: SLFN14 is on the minus strand). VCF-style: chr17-35548559-G-T. GRCh37 (hg19) VCF-style: chr17-33875578-G-T.
Other names: short protein forms Q807K.
Identifiers: ClinVar variation 1337507 (VCV001337507.6), dbSNP rs564352461, ClinGen allele CA8504545.